The following is an entry in ClinVar:

NM_005751.5(AKAP9):c.1034C>T (p.Thr345Ile)

Gene: AKAP9 (A-kinase anchoring protein 9; plus strand). Cytogenetic location: 7q21.2.
Variant type: single nucleotide variant.
Coding change: c.1034C>T on transcript NM_005751.5 (MANE Select); coding-DNA position 1034, C replaced by T.
Protein change: p.Thr345Ile; replaces threonine 345 with isoleucine.
Molecular consequence: missense variant.
Genome position (GRCh38, 1-based): chr7:92,000,951, C>T. VCF-style: chr7-92000951-C-T. GRCh37 (hg19) VCF-style: chr7-91630265-C-T.
Other names: c.1034C>T, p.Thr345Ile (NM_147185.3); short protein forms T345I.
Identifiers: ClinVar variation 1468474 (VCV001468474.11), dbSNP rs372425259, ClinGen allele CA161906627.
Genomic context (GRCh38, chr7:92,000,951, plus strand): 5'-AGGAAAAGGAGACAATCATTGAAGAATTAAACACAAAAATAATAGAAGAAGAAAAGAAAA[C>T]TCTTGAGCTAAAGGATAAATTAACAACTGCTGATAAATTACTAGGAGAATTACAAGAACA-3'
Protein context (NP_005742.4, residues 335-355): NTKIIEEEKK[Thr345Ile]LELKDKLTTA

ClinVar aggregate classification (germline): Uncertain significance. Review status: criteria provided, multiple submitters, no conflicts (2 of 4 stars). 3 submissions from 3 submitters: Uncertain significance (3). Last evaluated 2025-06-12.

Conditions:
Cardiovascular phenotype. Identifiers: MedGen CN230736.
Long QT syndrome (LQTS). Identifiers: MedGen C0023976, MeSH D008133, MONDO:0002442. Disease mechanism: loss of function. Inheritance: Various modes of inheritance.
Long QT syndrome 11 (LQT11). Identifiers: Orphanet 101016, Orphanet 768, MedGen C2678483, MONDO:0012738, OMIM 611820.

Allele frequency attached by ClinVar (database versions not stated): gnomAD exomes 0.00001; gnomAD 0.00002 and 0.00003; TOPMed 0.00002; ESP Exome Variant Server 0.00017.
gnomAD v4.1: 6 of 1,513,210 alleles (0.0004%); highest among the groups gnomAD compares: African/African-American, 0.0084%; no homozygotes.

Submissions (3):

Labcorp Genetics (formerly Invitae), Labcorp
Classification: Uncertain significance for Long QT syndrome. Last evaluated: 2025-06-12. Review status: criteria provided, single submitter. Criteria: Invitae Variant Classification Sherloc (09022015). Collection method: clinical testing. Allele origin: germline.
Comment: This sequence change replaces threonine, which is neutral and polar, with isoleucine, which is neutral and non-polar, at codon 345 of the AKAP9 protein (p.Thr345Ile). This variant is present in population databases (rs372425259, gnomAD 0.03%). This variant has not been reported in the literature in individuals affected with AKAP9-related conditions. ClinVar contains an entry for this variant (Variation ID: 1468474). An algorithm developed to predict the effect of missense changes on protein structure and function (PolyPhen-2) suggests that this variant is likely to be tolerated. In summary, the available evidence is currently insufficient to determine the role of this variant in disease. Therefore, it has been classified as a Variant of Uncertain Significance.

Ambry Genetics
Classification: Uncertain significance for Cardiovascular phenotype. Last evaluated: 2022-01-28. Review status: criteria provided, single submitter. Criteria: Ambry Variant Classification Scheme 2023. Collection method: clinical testing. Allele origin: germline.
Comment: The p.T345I variant (also known as c.1034C>T), located in coding exon 8 of the AKAP9 gene, results from a C to T substitution at nucleotide position 1034. The threonine at codon 345 is replaced by isoleucine, an amino acid with similar properties. This amino acid position is not well conserved in available vertebrate species. In addition, this alteration is predicted to be tolerated by in silico analysis. The evidence for this gene-disease relationship is limited; therefore, the clinical significance of this alteration is unclear.

Fulgent Genetics
Classification: Uncertain significance for Long QT syndrome 11. Last evaluated: 2021-07-16. Review status: criteria provided, single submitter. Criteria: ACMG Guidelines, 2015. Collection method: clinical testing. Allele origin: unknown.